The following is an entry in ClinVar:

ClinVar aggregate classification (germline): Uncertain significance (1 of 4 stars; one submission).

Conditions:
RASopathy. Also called: Noonan spectrum disorder; rasopathies. Identifiers: Orphanet 536391, MedGen C5555857, MONDO:0021060.

Submission:

Labcorp Genetics (formerly Invitae), Labcorp
Classification: Uncertain significance for RASopathy. Last evaluated: 2024-12-17. Review status: criteria provided, single submitter. Criteria: Invitae Variant Classification Sherloc (09022015). Collection method: clinical testing. Allele origin: germline.
Comment: This sequence change replaces proline, which is neutral and non-polar, with serine, which is neutral and polar, at codon 166 of the MAP2K2 protein (p.Pro166Ser). This variant is not present in population databases (gnomAD no frequency). This variant has not been reported in the literature in individuals affected with MAP2K2-related conditions. Invitae Evidence Modeling of protein sequence and biophysical properties (such as structural, functional, and spatial information, amino acid conservation, physicochemical variation, residue mobility, and thermodynamic stability) has been performed for this missense variant. However, the output from this modeling did not meet the statistical confidence thresholds required to predict the impact of this variant on MAP2K2 protein function. In summary, the available evidence is currently insufficient to determine the role of this variant in disease. Therefore, it has been classified as a Variant of Uncertain Significance.

NM_030662.4(MAP2K2):c.496C>T (p.Pro166Ser)

Gene: MAP2K2 (mitogen-activated protein kinase kinase 2; minus strand). Cytogenetic location: 19p13.3.
Variant type: single nucleotide variant.
Coding change: c.496C>T on transcript NM_030662.4 (MANE Select); coding-DNA position 496, C replaced by T.
Protein change: p.Pro166Ser; replaces proline 166 with serine.
Molecular consequence: missense variant.
Genome position (GRCh38, 1-based): chr19:4,102,408, G>A on the plus strand (C>T on the coding strand, the complement: MAP2K2 is on the minus strand). VCF-style: chr19-4102408-G-A. GRCh37 (hg19) VCF-style: chr19-4102406-G-A.
Other names: short protein forms P166S.
Identifiers: ClinVar variation 3702139 (VCV003702139.2).
Genomic context (GRCh38, chr19:4,102,408, plus strand): 5'-GCGCGATGTGGGTCTGCGGTGGACTCACCGCGATGCTGACTTTCCCCAGGATCTCCTCGG[G>A]AATCCTCTTGGCCTCTTTCAGCACCTGGTCCAGGGAGCCGCCGTCCTAGAGGGCACACAA-3'
Protein context (NP_109587.1, residues 156-176): DQVLKEAKRI[Pro166Ser]EEILGKVSIA